The following is an entry in ClinVar:

NM_005802.5(TOPORS):c.2995A>T (p.Arg999Ter)

Gene: TOPORS (TOP1 binding arginine/serine rich protein, E3 ubiquitin ligase; minus strand). Cytogenetic location: 9p21.1.
Variant type: single nucleotide variant.
Coding change: c.2995A>T on transcript NM_005802.5 (MANE Select); coding-DNA position 2995, A replaced by T.
Protein change: p.Arg999Ter; replaces arginine 999 with a stop codon.
Molecular consequence: nonsense.
Genome position (GRCh38, 1-based): chr9:32,541,530, T>A on the plus strand (A>T on the coding strand, the complement: TOPORS is on the minus strand). VCF-style: chr9-32541530-T-A. GRCh37 (hg19) VCF-style: chr9-32541528-T-A.
Other names: c.2800A>T, p.Arg934Ter (NM_001195622.2); short protein forms R999*, R934*.
Identifiers: ClinVar variation 489321 (VCV000489321.4), dbSNP rs1554671322, ClinGen allele CA373159680.

ClinVar aggregate classification (germline): Uncertain significance (1 of 4 stars; one submission).

Conditions:
Retinitis pigmentosa 31 (RP31). Identifiers: Orphanet 791, MedGen C1835923, MONDO:0012367, OMIM 609923.

Submission:

GeneDx
Classification: Uncertain significance. Last evaluated: 2018-01-17. Review status: criteria provided, single submitter. Criteria: GeneDx Variant Classification (06012015). Collection method: clinical testing. Allele origin: germline. Affected: yes.
Comment: The R999X variant in the TOPORS gene has not been reported previously as a pathogenic variant nor as a benign variant, to our knowledge. This variant is predicted to cause loss of normal protein function through protein truncation. The R999X variant is not observed in large population cohorts (Lek et al., 2016). We interpret R999X as a variant of uncertain significance, which may be related to the visual impairment reported in this individual.